The following is an entry in ClinVar:

ClinVar aggregate classification (germline): Likely benign. Review status: criteria provided, multiple submitters, no conflicts (2 of 4 stars). 3 submissions from 3 submitters: Likely benign (2). 1 of the submissions does not count toward it. Last evaluated 2025-10-18.

Conditions:
MAP3K8-related disorder. Also called: MAP3K8-related condition.

Allele frequency attached by ClinVar (database versions not stated): gnomAD exomes 0.00001; gnomAD 0.00002; TOPMed 0.00004; ExAC 0.00009; 1000 Genomes Project 30x 0.00016; 1000 Genomes Project 0.00020.
gnomAD v4.1: 22 of 1,593,998 alleles (0.0014%); highest among the groups gnomAD compares: East Asian, 0.044%; no homozygotes.

Submissions (3):

Labcorp Genetics (formerly Invitae), Labcorp
Classification: Likely benign. Last evaluated: 2025-10-18. Review status: criteria provided, single submitter. Criteria: Invitae Variant Classification Sherloc (09022015). Collection method: clinical testing. Allele origin: germline.

Blueprint Genetics
Classification: Likely benign. Last evaluated: 2022-03-07. Review status: criteria provided, single submitter. Criteria: ACMG Guidelines, 2015. Collection method: clinical testing. Allele origin: germline.

PreventionGenetics, part of Exact Sciences
Classification: Likely benign for MAP3K8-related condition. Last evaluated: 2024-06-27. Review status: no assertion criteria provided. Collection method: clinical testing. Allele origin: germline. Not counted in ClinVar's aggregate classification.
Comment: This variant is classified as likely benign based on ACMG/AMP sequence variant interpretation guidelines (Richards et al. 2015 PMID: 25741868, with internal and published modifications).

NM_005204.4(MAP3K8):c.969C>T (p.Gly323=)

Gene: MAP3K8 (mitogen-activated protein kinase kinase kinase 8; plus strand). Cytogenetic location: 10p11.23.
Variant type: single nucleotide variant.
Coding change: c.969C>T on transcript NM_005204.4 (MANE Select); coding-DNA position 969, C replaced by T.
Protein change: p.Gly323=; no amino-acid change (glycine 323 retained).
Molecular consequence: synonymous variant.
Genome position (GRCh38, 1-based): chr10:30,458,179, C>T. VCF-style: chr10-30458179-C-T. GRCh37 (hg19) VCF-style: chr10-30747108-C-T.
Other names: c.969C>T (NM_005204.3); c.969C>T, p.Gly323= (NM_001244134.1, NM_001320961.2).
Identifiers: ClinVar variation 2415293 (VCV002415293.9), dbSNP rs529249357, ClinGen allele CA5459770.